The following is an entry in ClinVar:

ClinVar aggregate classification (germline): Pathogenic (1 of 4 stars; one submission).

Conditions:
Primary ciliary dyskinesia. Also called: Ciliary dyskinesia. Identifiers: Orphanet 244, MedGen C0008780, MONDO:0016575, HP:0012265.

Submission:

Labcorp Genetics (formerly Invitae), Labcorp
Classification: Pathogenic for Primary ciliary dyskinesia. Last evaluated: 2025-08-24. Review status: criteria provided, single submitter. Criteria: Invitae Variant Classification Sherloc (09022015). Collection method: clinical testing. Allele origin: germline.
Comment: This sequence change creates a premature translational stop signal (p.Phe208Profs*62) in the CCNO gene. While this is not anticipated to result in nonsense mediated decay, it is expected to disrupt the last 143 amino acid(s) of the CCNO protein. This variant is not present in population databases (gnomAD no frequency). This variant has not been reported in the literature in individuals affected with CCNO-related conditions. This variant disrupts a region of the CCNO protein in which other variant(s) (p.Gln321*) have been determined to be pathogenic (PMID: 24747639, 26139845). This suggests that this is a clinically significant region of the protein, and that variants that disrupt it are likely to be disease-causing. For these reasons, this variant has been classified as Pathogenic.

Literature cited by the submitters: PubMed 24747639; PubMed 26139845.

NM_021147.5(CCNO):c.619_620dup (p.Phe208fs)

Gene: CCNO (cyclin O; minus strand). Cytogenetic location: 5q11.2.
Variant type: Microsatellite.
Coding change: c.619_620dup on transcript NM_021147.5 (MANE Select); coding-DNA positions 619 to 620, 2 bases duplicated (GC; older notation c.619_620dupGC).
Protein change: p.Phe208fs; shifts the reading frame from phenylalanine 208.
Molecular consequence: frameshift variant. On other transcripts: non-coding transcript variant (3).
Genome position (GRCh38, 1-based): chr5:55,231,808-55,231,809, GC duplicated on the plus strand (GC on the coding strand, the reverse complement: CCNO is on the minus strand); duplicating any 2 consecutive bases within chr5:55,231,808-55,231,811 gives the same sequence; the c. name uses the placement nearest the transcript's 3' end. VCF-style (leftmost placement, unchanged base first): chr5-55231807-G-GGC. GRCh37 (hg19) VCF-style: chr5-54527635-G-GGC.
Other names: short protein forms F208fs.
Identifiers: ClinVar variation 4725916 (VCV004725916.1).